The following is an entry in ClinVar:

ClinVar aggregate classification (germline): Benign. Review status: criteria provided, single submitter (1 of 4 stars). 2 submissions from 2 submitters: Benign (1). 1 of the submissions does not count toward it. Last evaluated 2026-08-01.

Conditions:
ZFHX3-related disorder. Also called: ZFHX3-related condition.

Submissions (2):

CeGaT Center for Human Genetics Tuebingen
Classification: Benign. Last evaluated: 2026-08-01. Review status: criteria provided, single submitter. Criteria: CeGaT Center For Human Genetics Tuebingen Variant Classification Criteria Version 2. Collection method: clinical testing. Allele origin: germline. Affected: yes. Observed: 20 variant alleles.
Comment: ZFHX3: BS1, BS2

PreventionGenetics, part of Exact Sciences
Classification: Benign for ZFHX3-related condition. Last evaluated: 2019-08-05. Review status: no assertion criteria provided. Collection method: clinical testing. Allele origin: germline. Not counted in ClinVar's aggregate classification.
Comment: This variant is classified as benign based on ACMG/AMP sequence variant interpretation guidelines (Richards et al. 2015 PMID: 25741868, with internal and published modifications).

NM_006885.4(ZFHX3):c.10558GGC[5] (p.Gly3525_Gly3527del)

Genes: ZFHX3 (zinc finger homeobox 3; minus strand), ZFHX3-AS1 (ZFHX3 antisense RNA 1; plus strand). Cytogenetic location: 16q22.2.
Variant type: Microsatellite.
Coding change: c.10558GGC[5] on transcript NM_006885.4 (MANE Select); five copies in a row of the 3-base unit GGC starting at c.10558; the reference has eight copies in a row; three copies, 9 bases deleted.
Protein change: p.Gly3525_Gly3527del.
Genome position (GRCh38, 1-based): chr16:72,787,695-72,787,703, GCCGCCGCC deleted on the plus strand (GGCGGCGGC on the coding strand, the reverse complement: ZFHX3 is on the minus strand); deleting any 9 consecutive bases within chr16:72,787,695-72,787,718 gives the same sequence; the position shown is the placement nearest the transcript's 3' end. VCF-style (leftmost placement, unchanged base first): chr16-72787694-AGCCGCCGCC-A. GRCh37 (hg19) VCF-style: chr16-72821593-AGCCGCCGCC-A.
Other names: c.7816GGC[5], p.Gly2611_Gly2613del (NM_001164766.2); c.10558GGC[5], p.Gly3525_Gly3527del (NM_001386735.1).
Identifiers: ClinVar variation 3058928 (VCV003058928.16), dbSNP rs374416547, ClinGen allele CA8162367.
Genomic context (GRCh38, chr16:72,787,694, plus strand): 5'-GATGTTGACTCAGAGCTTCCTCCCCACAGAGCGCGCTCTCGCACGCCAGGCAGTGGTACG[AGCCGCCGCC>A]GCCGCCGCCGCCGCCACCGCCGCCGCCGCCGCCACTGCCACCGCCGCCGCCGCCGGTGGG-3'